The following is an entry in ClinVar:

NM_000287.4(PEX6):c.1220C>A (p.Thr407Asn)

Gene: PEX6 (peroxisomal biogenesis factor 6; minus strand). Cytogenetic location: 6p21.1.
Variant type: single nucleotide variant.
Coding change: c.1220C>A on transcript NM_000287.4 (MANE Select); coding-DNA position 1220, C replaced by A.
Protein change: p.Thr407Asn; replaces threonine 407 with asparagine.
Molecular consequence: missense variant. On other transcripts: non-coding transcript variant (1).
Genome position (GRCh38, 1-based): chr6:42,969,898, G>T on the plus strand (C>A on the coding strand, the complement: PEX6 is on the minus strand). VCF-style: chr6-42969898-G-T. GRCh37 (hg19) VCF-style: chr6-42937636-G-T.
Other names: c.956C>A, p.Thr319Asn (NM_001316313.2); short protein forms T407N, T319N.
Identifiers: ClinVar variation 288713 (VCV000288713.8), dbSNP rs886043987, ClinGen allele CA10606197.

ClinVar aggregate classification (germline): Conflicting classifications of pathogenicity. Review status: criteria provided, conflicting classifications (1 of 4 stars). 4 submissions from 4 submitters: Likely pathogenic (2); Uncertain significance (2). Last evaluated 2026-01-12.

Conditions:
Peroxisome biogenesis disorder 4A (Zellweger) (PBD4A). Also called: Zellweger syndrome spectrum (PEX6-related). Identifiers: Orphanet 912, MedGen C3553936, MONDO:0013930, OMIM 614862. Disease mechanism: loss of function.
Peroxisome biogenesis disorder. Identifiers: Orphanet 79189, MedGen C1832200, MONDO:0019234. Disease mechanism: loss of function.

Submissions (4):

Myriad Genetics, Inc.
Classification: Uncertain significance for Peroxisome biogenesis disorder. Last evaluated: 2026-01-12. Review status: criteria provided, single submitter. Criteria: Myriad Autosomal Dominant, Autosomal Recessive and X-Linked Classification Criteria (2023). Collection method: clinical testing. Allele origin: unknown.
Comment: NM_000287.3(PEX6):c.1220C>A(T407N) is a missense variant classified as a variant of uncertain significance in the context of peroxisome biogenesis disorder type 4. T407N has been observed in a case with relevant disease (PMID: 29419819). Relevant functional assessments of this variant are not available in the literature. T407N has not been observed in referenced population frequency databases. In summary, there is insufficient evidence to classify NM_000287.3(PEX6):c.1220C>A(T407N) as pathogenic or benign. Please note: this variant was assessed in the context of healthy population screening.

Johns Hopkins Genomics, Johns Hopkins University
Classification: Likely pathogenic for Peroxisome biogenesis disorder 4A (Zellweger). Last evaluated: 2023-04-21. Review status: criteria provided, single submitter. Criteria: ACMG Guidelines, 2015. Collection method: clinical testing. Allele origin: germline.
Comment: This PEX6 missense variant is absent from a large population dataset. It has been reported in ClinVar (Variation ID 288713), but has not been reported in the literature, to our knowledge. Three bioinformatic tools queried predict that this substitution would be damaging, and the threonine residue at this position is evolutionarily conserved across most of the species assessed. We consider c.1220C>A; p.Thr407Asn in PEX6 to be likely pathogenic.

Wangler Lab, Baylor College of Medicine
Classification: Likely pathogenic for Peroxisome biogenesis disorder 4A (Zellweger). Last evaluated: 2023-02-10. Review status: criteria provided, single submitter. Criteria: ACMG Guidelines, 2015. Collection method: research. Allele origin: unknown. Inheritance: Autosomal recessive inheritance. Affected: yes.
Comment: This missense change c.1220C>A (p.T407N) in PEX6 was seen in trans with c.2663G>A (p.R888H) (PM3). This variant is reported in an moderately to severely affected patient, Wangler et al. (PMID: 29419819). This change is not seen in population databases of healthy individuals (PM2). We interpret this variant to be likely pathogenic.

Eurofins Ntd Llc (ga)
Classification: Uncertain significance. Last evaluated: 2016-06-10. Review status: criteria provided, single submitter. Criteria: EGL Classification Definitions 2015. Collection method: clinical testing. Allele origin: germline. Observed: 1 variant allele, 1 homozygote.

Literature cited by the submitters: PubMed 29419819 (cited by Myriad Genetics, Inc. and Wangler Lab, Baylor College of Medicine); PubMed 31374812 (cited by Johns Hopkins Genomics, Johns Hopkins University).